The following is an entry in ClinVar:

ClinVar aggregate classification (germline): Uncertain significance (1 of 4 stars; one submission).

Conditions:
Hereditary cancer-predisposing syndrome. Also called: Neoplastic Syndromes, Hereditary; Tumor predisposition; Hereditary neoplastic syndrome; Hereditary Cancer Syndrome. Identifiers: Orphanet 140162, MedGen C0027672, MeSH D009386, MONDO:0015356.

Submission:

Ambry Genetics
Classification: Uncertain significance for Hereditary cancer-predisposing syndrome. Last evaluated: 2026-07-07. Review status: criteria provided, single submitter. Criteria: Ambry Variant Classification Scheme 2023. Collection method: clinical testing. Allele origin: germline.
Comment: The p.E88D variant (also known as c.264A>C), located in coding exon 3 of the BMPR1A gene, results from an A to C substitution at nucleotide position 264. The glutamic acid at codon 88 is replaced by aspartic acid, an amino acid with highly similar properties. This amino acid position is conserved. In addition, the in silico prediction for this alteration is inconclusive. Based on the available evidence, the clinical significance of this variant remains unclear.

NM_004329.3(BMPR1A):c.264A>C (p.Glu88Asp)

Gene: BMPR1A (bone morphogenetic protein receptor type 1A; plus strand). Cytogenetic location: 10q23.2.
Variant type: single nucleotide variant.
Coding change: c.264A>C on transcript NM_004329.3 (MANE Select); coding-DNA position 264, A replaced by C.
Protein change: p.Glu88Asp; replaces glutamic acid 88 with aspartic acid.
Molecular consequence: missense variant. On other transcripts: non-coding transcript variant (3).
Genome position (GRCh38, 1-based): chr10:86,892,160, A>C. VCF-style: chr10-86892160-A-C. GRCh37 (hg19) VCF-style: chr10-88651917-A-C.
Other names: c.264A>C, p.Glu88Asp (NM_001406565.1, NM_001406566.1, NM_001406567.1 and 23 more transcripts); c.180A>C, p.Glu60Asp (NM_001406584.1, NM_001406585.1, NM_001406586.1 and 2 more transcripts); short protein forms E60D, E88D.
Identifiers: ClinVar variation 5033020 (VCV005033020.1).